The following is an entry in ClinVar:

NM_198253.3(TERT):c.2376C>T (p.Ile792=)

Gene: TERT (telomerase reverse transcriptase; minus strand). Cytogenetic location: 5p15.33.
Variant type: single nucleotide variant.
Coding change: c.2376C>T on transcript NM_198253.3 (MANE Select); coding-DNA position 2376, C replaced by T.
Protein change: p.Ile792=; no amino-acid change (isoleucine 792 retained).
Molecular consequence: synonymous variant.
Genome position (GRCh38, 1-based): chr5:1,272,191, G>A on the plus strand (C>T on the coding strand, the complement: TERT is on the minus strand). VCF-style: chr5-1272191-G-A. GRCh37 (hg19) VCF-style: chr5-1272306-G-A.
Other names: c.2376C>T, p.Ile792= (NM_001193376.3).
Identifiers: ClinVar variation 701539 (VCV000701539.19), dbSNP rs769431975, ClinGen allele CA3184553.

ClinVar aggregate classification (germline): Likely benign. Review status: criteria provided, multiple submitters, no conflicts (2 of 4 stars). 4 submissions from 4 submitters: Likely benign (3). 1 of the submissions does not count toward it. Last evaluated 2026-01-19.

Conditions:
Dyskeratosis congenita. Identifiers: Orphanet 1775, MedGen C0265965, MONDO:0015780.
Dyskeratosis congenita, autosomal dominant 2. Identifiers: MedGen C3151443, MONDO:0013521, OMIM 613989.
Idiopathic Pulmonary Fibrosis. Also called: Idiopathic fibrosing alveolitis, chronic form; idiopathic fibrosing alveolitis. Identifiers: Orphanet 2032, MedGen C1800706, MeSH D054990, MONDO:0800504.
TERT-related disorder. Also called: TERT-related condition; TERT-related disorders.

Allele frequency attached by ClinVar (database versions not stated): gnomAD 0.00001; gnomAD exomes 0.00002 and 0.00005; TOPMed 0.00002; ExAC 0.00007.

Submissions (4):

Labcorp Genetics (formerly Invitae), Labcorp
Classification: Likely benign for Dyskeratosis congenita, autosomal dominant 2; Idiopathic Pulmonary Fibrosis. Last evaluated: 2026-01-19. Review status: criteria provided, single submitter. Criteria: Invitae Variant Classification Sherloc (09022015). Collection method: clinical testing. Allele origin: germline.

Ambry Genetics
Classification: Likely benign for Dyskeratosis congenita. Last evaluated: 2022-02-26. Review status: criteria provided, single submitter. Criteria: Ambry Variant Classification Scheme 2023. Collection method: clinical testing. Allele origin: germline.

Genetic Services Laboratory, University of Chicago
Classification: Likely benign. Last evaluated: 2017-08-28. Review status: criteria provided, single submitter. Criteria: ACMG Guidelines, 2015. Collection method: clinical testing. Allele origin: germline. Affected: no.

PreventionGenetics, part of Exact Sciences
Classification: Likely benign for TERT-related condition. Last evaluated: 2022-02-21. Review status: no assertion criteria provided. Collection method: clinical testing. Allele origin: germline. Not counted in ClinVar's aggregate classification.
Comment: This variant is classified as likely benign based on ACMG/AMP sequence variant interpretation guidelines (Richards et al. 2015 PMID: 25741868, with internal and published modifications).